The following is an entry in ClinVar:

ClinVar aggregate classification (germline): Uncertain significance. Review status: criteria provided, multiple submitters, no conflicts (2 of 4 stars). 2 submissions from 2 submitters: Uncertain significance (2). Last evaluated 2024-05-10.

Conditions:
Cranioectodermal dysplasia 1 (CED1). Also called: LEVIN SYNDROME I. Identifiers: Orphanet 1515, MedGen C0432235, MONDO:0021093, OMIM 218330.

Allele frequency attached by ClinVar (database versions not stated): ExAC 0.00003; gnomAD exomes 0.00003 and 0.00004; gnomAD 0.00006; ESP Exome Variant Server 0.00008; TOPMed 0.00011.

Submissions (2):

Fulgent Genetics
Classification: Uncertain significance for Cranioectodermal dysplasia 1. Last evaluated: 2024-05-10. Review status: criteria provided, single submitter. Criteria: ACMG Guidelines, 2015. Collection method: clinical testing. Allele origin: germline.

Labcorp Genetics (formerly Invitae), Labcorp
Classification: Uncertain significance for Cranioectodermal dysplasia 1. Last evaluated: 2022-08-09. Review status: criteria provided, single submitter. Criteria: Invitae Variant Classification Sherloc (09022015). Collection method: clinical testing. Allele origin: germline.
Comment: This variant has not been reported in the literature in individuals affected with IFT122-related conditions. In summary, the available evidence is currently insufficient to determine the role of this variant in disease. Therefore, it has been classified as a Variant of Uncertain Significance. Algorithms developed to predict the effect of sequence changes on RNA splicing suggest that this variant may create or strengthen a splice site. Algorithms developed to predict the effect of missense changes on protein structure and function output the following: SIFT: "Tolerated"; PolyPhen-2: "Benign"; Align-GVGD: "Class C0". The glutamine amino acid residue is found in multiple mammalian species, which suggests that this missense change does not adversely affect protein function. ClinVar contains an entry for this variant (Variation ID: 1387338). This variant is present in population databases (rs146270512, gnomAD 0.02%). This sequence change replaces arginine, which is basic and polar, with glutamine, which is neutral and polar, at codon 638 of the IFT122 protein (p.Arg638Gln).

NM_052989.3(IFT122):c.1760G>A (p.Arg587Gln)

Gene: IFT122 (intraflagellar transport 122; plus strand). Cytogenetic location: 3q21.3.
Variant type: single nucleotide variant.
Coding change: c.1760G>A on transcript NM_052989.3 (MANE Select); coding-DNA position 1760, G replaced by A.
Protein change: p.Arg587Gln; replaces arginine 587 with glutamine.
Molecular consequence: missense variant.
Genome position (GRCh38, 1-based): chr3:129,483,591, G>A. VCF-style: chr3-129483591-G-A. GRCh37 (hg19) VCF-style: chr3-129202434-G-A.
Other names: c.1736G>A, p.Arg579Gln (NM_001280541.2); c.1310G>A, p.Arg437Gln (NM_001280545.2); c.1133G>A, p.Arg378Gln (NM_001280546.2); c.1583G>A, p.Arg528Gln (NM_018262.4); c.1913G>A, p.Arg638Gln (NM_052985.4); c.1427G>A, p.Arg476Gln (NM_052990.3); short protein forms R528Q, R378Q, R437Q, R638Q, R476Q, R587Q, R579Q.
Identifiers: ClinVar variation 1387338 (VCV001387338.8), dbSNP rs146270512, ClinGen allele CA2606283.